The following is an entry in ClinVar:

ClinVar aggregate classification (germline): Pathogenic/Likely pathogenic. Review status: criteria provided, multiple submitters, no conflicts (2 of 4 stars). 3 submissions from 3 submitters: Pathogenic (1); Likely pathogenic (1). 1 of the submissions does not count toward it. Last evaluated 2023-11-28.

Conditions:
Cohen syndrome (COH1). Also called: PEPPER SYNDROME; Cutis verticis gyrata, retinitis pigmentosa, and sensorineural deafness. Identifiers: Orphanet 193, MedGen C0265223, MONDO:0008999, OMIM 216550.
VPS13B-related disorder. Also called: VPS13B-related condition.

gnomAD v4.1: 10 of 1,610,614 alleles (0.00062%); highest among the groups gnomAD compares: Non-Finnish European, 0.00076%; no homozygotes.

Submissions (3):

Labcorp Genetics (formerly Invitae), Labcorp
Classification: Pathogenic for Cohen syndrome. Last evaluated: 2023-11-28. Review status: criteria provided, single submitter. Criteria: Invitae Variant Classification Sherloc (09022015). Collection method: clinical testing. Allele origin: germline.
Comment: This sequence change creates a premature translational stop signal (p.Lys421*) in the VPS13B gene. It is expected to result in an absent or disrupted protein product. Loss-of-function variants in VPS13B are known to be pathogenic (PMID: 15141358, 16648375, 20461111). This variant is not present in population databases (gnomAD no frequency). This variant has not been reported in the literature in individuals affected with VPS13B-related conditions. ClinVar contains an entry for this variant (Variation ID: 2182388). Algorithms developed to predict the effect of sequence changes on RNA splicing suggest that this variant may disrupt the consensus splice site. For these reasons, this variant has been classified as Pathogenic.

Blueprint Genetics
Classification: Likely pathogenic for VPS13B-related disorders. Last evaluated: 2020-01-28. Review status: criteria provided, single submitter. Criteria: ACMG Guidelines, 2015. Collection method: clinical testing. Allele origin: germline. Affected: yes. Observed: 2 variant alleles.

PreventionGenetics, part of Exact Sciences
Classification: Likely pathogenic for VPS13B-related condition. Last evaluated: 2024-09-06. Review status: no assertion criteria provided. Collection method: clinical testing. Allele origin: germline. Not counted in ClinVar's aggregate classification.
Comment: The VPS13B c.1261A>T variant is predicted to result in premature protein termination (p.Lys421*). To our knowledge, this variant has not been reported in the literature in association with disease. This variant has not been reported in a large population database, indicating this variant is rare. Nonsense variants in VPS13B are expected to be pathogenic. This variant is interpreted as likely pathogenic.

Literature cited by the submitters: PubMed 15141358 (cited by Labcorp Genetics (formerly Invitae), Labcorp); PubMed 16648375 (cited by Labcorp Genetics (formerly Invitae), Labcorp); PubMed 20461111 (cited by Labcorp Genetics (formerly Invitae), Labcorp).

NM_152564.5(VPS13B):c.1261A>T (p.Lys421Ter)

Gene: VPS13B (vacuolar protein sorting 13 homolog B; plus strand). Cytogenetic location: 8q22.2.
Variant type: single nucleotide variant.
Coding change: c.1261A>T on transcript NM_152564.5 (MANE Select); coding-DNA position 1261, A replaced by T.
Protein change: p.Lys421Ter; replaces lysine 421 with a stop codon.
Molecular consequence: nonsense.
Genome position (GRCh38, 1-based): chr8:99,134,686, A>T. VCF-style: chr8-99134686-A-T. GRCh37 (hg19) VCF-style: chr8-100146914-A-T.
Other names: c.1261A>T, p.Lys421Ter (NM_015243.3, NM_017890.5); short protein forms K421*.
Identifiers: ClinVar variation 2182388 (VCV002182388.6), dbSNP rs942483537, ClinGen allele CA182900229.
Genomic context (GRCh38, chr8:99,134,686, plus strand): 5'-TCTTAGCTCACAGAAATGCAAGTTGAGAGTAGTTATTACAGTCCACAGAAAGTAAAATCT[A>T]AAGAAGTATTGTGTTGGGAACAAGAAGGAACTACAGTTGAGGTAATCTTTCAATATTGAA-3'